The following is an entry in ClinVar:

NM_000702.4(ATP1A2):c.988G>A (p.Val330Met)

Gene: ATP1A2 (ATPase Na+/K+ transporting subunit alpha 2; plus strand). Cytogenetic location: 1q23.2.
Variant type: single nucleotide variant.
Coding change: c.988G>A on transcript NM_000702.4 (MANE Select); coding-DNA position 988, G replaced by A.
Protein change: p.Val330Met; replaces valine 330 with methionine.
Molecular consequence: missense variant.
Genome position (GRCh38, 1-based): chr1:160,127,791, G>A. VCF-style: chr1-160127791-G-A. GRCh37 (hg19) VCF-style: chr1-160097581-G-A.
Other names: short protein forms V330M.
Identifiers: ClinVar variation 933518 (VCV000933518.12), dbSNP rs1236883845, ClinGen allele CA343238749.

ClinVar aggregate classification (germline): Conflicting classifications of pathogenicity. Review status: criteria provided, conflicting classifications (1 of 4 stars). 3 submissions from 3 submitters: Pathogenic (1); Likely pathogenic (1); Uncertain significance (1). Last evaluated 2026-08-05.

Conditions:
Inborn genetic diseases. Identifiers: MedGen C0950123, MeSH D030342.
Familial hemiplegic migraine. Identifiers: MedGen C0338484, MONDO:0000700.

Allele frequency attached by ClinVar (database versions not stated): TOPMed below 0.00001.

Submissions (3):

GeneDx
Classification: Uncertain significance. Last evaluated: 2026-08-05. Review status: criteria provided, single submitter. Criteria: GeneDx Variant Classification Process June 2021. Collection method: clinical testing. Allele origin: germline.
Comment: Not observed at significant frequency in large population cohorts (gnomAD); In silico analysis supports that this missense variant has a deleterious effect on protein structure/function; Has not been previously published as pathogenic or benign to our knowledge

Ambry Genetics
Classification: Likely pathogenic for Inborn genetic diseases. Last evaluated: 2025-03-13. Review status: criteria provided, single submitter. Criteria: Ambry Variant Classification Scheme 2023. Collection method: clinical testing. Allele origin: germline.
Comment: The c.988G>A (p.V330M) alteration is located in exon 8 (coding exon 8) of the ATP1A2 gene. This alteration results from a G to A substitution at nucleotide position 988, causing the valine (V) at amino acid position 330 to be replaced by a methionine (M). for autosomal dominant ATP1A2-related neurologic disorders; however, its clinical significance for autosomal recessive ATP1A2-related cortical malformation syndrome is uncertain. The ATP1A2 c.988G>A alteration was flagged as a low confidence call in the Genome Aggregation Database (gnomAD). This variant was determined to be de novo in at least one individual with features consistent with ATP1A2-related neurologic disorders (external communication). This amino acid position is highly conserved in available vertebrate species. This missense alteration is located in a region that has a low rate of benign missense variation (Lek, 2016; Firth, 2009). This alteration is predicted to be deleterious by in silico analysis. Based on the available evidence, this alteration is classified as likely pathogenic.

Labcorp Genetics (formerly Invitae), Labcorp
Classification: Pathogenic for Familial hemiplegic migraine. Last evaluated: 2024-02-05. Review status: criteria provided, single submitter. Criteria: Invitae Variant Classification Sherloc (09022015). Collection method: clinical testing. Allele origin: germline.
Comment: This sequence change replaces valine, which is neutral and non-polar, with methionine, which is neutral and non-polar, at codon 330 of the ATP1A2 protein (p.Val330Met). This variant is not present in population databases (gnomAD no frequency). This missense change has been observed in individual(s) with clinical features of ATP1A2-related conditions (Invitae). In at least one individual the variant was observed to be de novo. ClinVar contains an entry for this variant (Variation ID: 933518). Advanced modeling of protein sequence and biophysical properties (such as structural, functional, and spatial information, amino acid conservation, physicochemical variation, residue mobility, and thermodynamic stability) performed at Invitae indicates that this missense variant is expected to disrupt ATP1A2 protein function with a positive predictive value of 80%. For these reasons, this variant has been classified as Pathogenic.